The following is an entry in ClinVar:

NM_019074.4(DLL4):c.392C>G (p.Pro131Arg)

Gene: DLL4 (delta like canonical Notch ligand 4; plus strand). Cytogenetic location: 15q15.1.
Variant type: single nucleotide variant.
Coding change: c.392C>G on transcript NM_019074.4 (MANE Select); coding-DNA position 392, C replaced by G.
Protein change: p.Pro131Arg; replaces proline 131 with arginine.
Molecular consequence: missense variant.
Genome position (GRCh38, 1-based): chr15:40,930,680, C>G. VCF-style: chr15-40930680-C-G. GRCh37 (hg19) VCF-style: chr15-41222878-C-G.
Other names: short protein forms P131R.
Identifiers: ClinVar variation 3640652 (VCV003640652.2).

ClinVar aggregate classification (germline): Uncertain significance (1 of 4 stars; one submission).

gnomAD v4.1: 1 of 1,613,698 alleles (0.000062%); highest among the groups gnomAD compares: Non-Finnish European, 0.000085%; no homozygotes.

Submission:

Labcorp Genetics (formerly Invitae), Labcorp
Classification: Uncertain significance. Last evaluated: 2024-04-25. Review status: criteria provided, single submitter. Criteria: Invitae Variant Classification Sherloc (09022015). Collection method: clinical testing. Allele origin: germline.
Comment: This sequence change replaces proline, which is neutral and non-polar, with arginine, which is basic and polar, at codon 131 of the DLL4 protein (p.Pro131Arg). This variant is not present in population databases (gnomAD no frequency). This variant has not been reported in the literature in individuals affected with DLL4-related conditions. An algorithm developed to predict the effect of missense changes on protein structure and function (PolyPhen-2) suggests that this variant is likely to be tolerated. In summary, the available evidence is currently insufficient to determine the role of this variant in disease. Therefore, it has been classified as a Variant of Uncertain Significance.